The following is an entry in ClinVar:

NM_001256715.2(DNAAF3):c.228+5G>C

Genes: DNAAF3 (dynein axonemal assembly factor 3; minus strand), DNAAF3-AS1 (DNAAF3 antisense RNA 1; plus strand). Cytogenetic location: 19q13.42.
Variant type: single nucleotide variant.
Coding change: c.228+5G>C on transcript NM_001256715.2 (MANE Select); 5 bases into the intron after coding-DNA position 228, G replaced by C.
Molecular consequence: intron variant. On other transcripts: 5 prime UTR variant (1).
Genome position (GRCh38, 1-based): chr19:55,165,853, C>G on the plus strand (G>C on the coding strand, the complement: DNAAF3 is on the minus strand). VCF-style: chr19-55165853-C-G. GRCh37 (hg19) VCF-style: chr19-55677221-C-G.
Other names: c.-6G>C (NM_001256716.2); c.369+5G>C (NM_178837.4); c.432+5G>C (NM_001256714.1).
Identifiers: ClinVar variation 410292 (VCV000410292.11), dbSNP rs372166228, ClinGen allele CA9668206.

ClinVar aggregate classification (germline): Likely pathogenic (1 of 4 stars; one submission).

Conditions:
Primary ciliary dyskinesia. Also called: Ciliary dyskinesia. Identifiers: Orphanet 244, MedGen C0008780, MONDO:0016575, HP:0012265.

Allele frequency attached by ClinVar (database versions not stated): ExAC 0.00003; ESP Exome Variant Server 0.00008; gnomAD 0.00001; TOPMed 0.00001.
gnomAD v4.1: 27 of 1,613,630 alleles (0.0017%); highest among the groups gnomAD compares: Non-Finnish European, 0.002%; no homozygotes.

Submission:

Labcorp Genetics (formerly Invitae), Labcorp
Classification: Likely pathogenic for Primary ciliary dyskinesia. Last evaluated: 2025-10-05. Review status: criteria provided, single submitter. Criteria: Invitae Variant Classification Sherloc (09022015). Collection method: clinical testing. Allele origin: germline.
Comment: This sequence change falls in intron 3 of the DNAAF3 gene. It does not directly change the encoded amino acid sequence of the DNAAF3 protein. It affects a nucleotide within the consensus splice site. This variant is present in population databases (rs372166228, gnomAD 0.005%). This variant has been observed in individual(s) with clinical features of primary ciliary dyskinesia (PMID: 31879361; internal data). This variant is also known as c.228+5G>C. ClinVar contains an entry for this variant (Variation ID: 410292). Variants that disrupt the consensus splice site are a relatively common cause of aberrant splicing (PMID: 17576681, 9536098). Algorithms developed to predict the effect of sequence changes on RNA splicing suggest that this variant may disrupt the consensus splice site. In summary, the currently available evidence indicates that the variant is pathogenic, but additional data are needed to prove that conclusively. Therefore, this variant has been classified as Likely Pathogenic.

Literature cited by the submitters: PubMed 31879361; PubMed 17576681; PubMed 9536098.